The following is an entry in ClinVar:

NM_001010898.4(SLC6A17):c.2013T>C (p.Asp671=)

Gene: SLC6A17 (solute carrier family 6 member 17; plus strand). Cytogenetic location: 1p13.3.
Variant type: single nucleotide variant.
Coding change: c.2013T>C on transcript NM_001010898.4 (MANE Select); coding-DNA position 2013, T replaced by C.
Protein change: p.Asp671=; no amino-acid change (aspartic acid 671 retained).
Molecular consequence: synonymous variant.
Genome position (GRCh38, 1-based): chr1:110,198,273, T>C. VCF-style: chr1-110198273-T-C. GRCh37 (hg19) VCF-style: chr1-110740895-T-C.
Identifiers: ClinVar variation 3044213 (VCV003044213.2), dbSNP rs201500575, ClinGen allele CA998339.
Genomic context (GRCh38, chr1:110,198,273, plus strand): 5'-CTCCGTGTCCTACAAGAAGGGCCGCATGATGAAGGACATCTCCAACCTGGAGGAGAACGA[T>C]GAGACCCGCTTCATCCTCAGCAAGGTGCCCAGTGAGGCACCTTCCCCCATGCCCACTCAC-3'
Protein context (NP_001010898.1, residues 661-681): MKDISNLEEN[Asp671=]ETRFILSKVP

ClinVar aggregate classification (germline): Likely benign (0 of 4 stars; one submission).

Conditions:
SLC6A17-related disorder. Also called: SLC6A17-related condition.

Allele frequency attached by ClinVar (database versions not stated): ESP Exome Variant Server 0.00008; ExAC 0.00010; TOPMed 0.00012; gnomAD 0.00013.
gnomAD v4.1: 180 of 1,613,998 alleles (0.011%); highest among the groups gnomAD compares: African/African-American, 0.0027%; no homozygotes.

Submission:

PreventionGenetics, part of Exact Sciences
Classification: Likely benign for SLC6A17-related condition. Last evaluated: 2019-06-06. Review status: no assertion criteria provided. Collection method: clinical testing. Allele origin: germline.
Comment: This variant is classified as likely benign based on ACMG/AMP sequence variant interpretation guidelines (Richards et al. 2015 PMID: 25741868, with internal and published modifications).